The following is an entry in ClinVar:

ClinVar aggregate classification (germline): Benign/Likely benign. Review status: criteria provided, multiple submitters, no conflicts (2 of 4 stars). 6 submissions from 6 submitters: Benign (4); Likely benign (1). 1 of the submissions does not count toward it. Last evaluated 2023-03-28.

Conditions:
Maturity-onset diabetes of the young (MODY). Also called: Maturity onset diabetes mellitus in young. Identifiers: Orphanet 552, MedGen C0342276, MONDO:0018911, HP:0004904.
Maturity-onset diabetes of the young type 3. Also called: MODY type 3; MODY, type III. Identifiers: Orphanet 552, MedGen C1838100, MeSH C563933, MONDO:0010894, OMIM 600496. Disease mechanism: loss of function.

Allele frequency attached by ClinVar (database versions not stated): ESP Exome Variant Server 0.74389; gnomAD 0.75160 and 0.75862; TOPMed 0.75882; 1000 Genomes Project 30x 0.76936; 1000 Genomes Project 0.77696; gnomAD exomes 0.81433 and 0.82251; ExAC 0.81454.
gnomAD v4.1: 1,305,762 of 1,613,794 alleles (81%); highest among the groups gnomAD compares: Admixed American, 91%; 531,232 homozygotes.

Submissions (6):

Blueprint Genetics
Classification: Likely benign. Last evaluated: 2023-03-28. Review status: criteria provided, single submitter. Criteria: ACMG Guidelines, 2015. Collection method: clinical testing. Allele origin: germline.

Genome-Nilou Lab
Classification: Benign for Maturity-onset diabetes of the young type 3. Last evaluated: 2021-08-10. Review status: criteria provided, single submitter. Criteria: ACMG Guidelines, 2015. Collection method: clinical testing. Allele origin: germline. Affected: no.

GeneDx
Classification: Benign. Last evaluated: 2018-06-26. Review status: criteria provided, single submitter. Criteria: GeneDx Variant Classification Process June 2021. Collection method: clinical testing. Allele origin: germline. Affected: yes.

Breakthrough Genomics
Classification: Benign. Review status: criteria provided, single submitter. Criteria: ACMG Guidelines, 2015. Collection method: not provided. Allele origin: germline. Inheritance: Autosomal dominant inheritance. Affected: yes.

Clinical Genomics, Uppaluri K&H Personalized Medicine Clinic
Classification: Benign for Maturity-onset diabetes of the young. Review status: criteria provided, single submitter. Criteria: K & H Uppaluri Personalized Medicine Clinic Variant Classification & Assertion Criteria_Updated V.1. Collection method: research. Allele origin: unknown. Inheritance: Autosomal dominant inheritance.
Comment: Mutations in HNF1A gene can predispose to MODY3. It is associated with both micro and macrovascular complications of diabetes, especially cardiovascular complications. Associated with glucosuria. May respond well to sulfonylureas. Sufficient evidence is found to confer the association of this particular variant rs1169304 with MODY3.

ITMI
No classification provided. Condition: AllHighlyPenetrant. Last evaluated: 2013-09-19. Review status: no classification provided. Collection method: reference population. Allele origin: germline. Not counted in ClinVar's aggregate classification.
Comment: Please see associated publication for description of ethnicities

Literature cited by the submitters: PubMed 32375679 (cited by Clinical Genomics, Uppaluri K&H Personalized Medicine Clinic); PubMed 24728327 (cited by ITMI).

NM_000545.8(HNF1A):c.1623+29T>C

Gene: HNF1A (HNF1 homeobox A; plus strand). Cytogenetic location: 12q24.31.
Variant type: single nucleotide variant.
Coding change: c.1623+29T>C on transcript NM_000545.8 (MANE Select); 29 bases into the intron after coding-DNA position 1623, T replaced by C.
Molecular consequence: intron variant.
Genome position (GRCh38, 1-based): chr12:120,999,418, T>C. VCF-style: chr12-120999418-T-C. GRCh37 (hg19) VCF-style: chr12-121437221-T-C.
Other names: c.1623+29T>C (NM_001306179.2).
Identifiers: ClinVar variation 135505 (VCV000135505.8), dbSNP rs1169304, ClinGen allele CA162960.